The following is an entry in ClinVar:

NM_130839.5(UBE3A):c.2499-219A>G

Genes: SNHG14 (small nucleolar RNA host gene 14; plus strand), UBE3A (ubiquitin protein ligase E3A; minus strand). Cytogenetic location: 15q11.2.
Variant type: single nucleotide variant.
Coding change: c.2499-219A>G on transcript NM_130839.5 (MANE Select); 219 bases into the intron before coding-DNA position 2499, A replaced by G.
Molecular consequence: intron variant.
Genome position (GRCh38, 1-based): chr15:25,339,476, T>C on the plus strand (A>G on the coding strand, the complement: UBE3A is on the minus strand). VCF-style: chr15-25339476-T-C. GRCh37 (hg19) VCF-style: chr15-25584623-T-C.
Other names: c.2322-219A>G (NM_001354546.2); c.1188-219A>G (NM_001354551.2); c.2274-219A>G (NM_001354549.2); c.2283-219A>G (NM_001354548.2, NM_001354547.2); c.2439-219A>G (NM_130838.4, NM_001354542.2, NM_001354523.2 and 14 more transcripts); c.1248-219A>G (NM_001354550.2); c.2343-219A>G (NM_001354545.2); c.2499-219A>G (NM_001354538.2, NM_001354505.1); and 1 more.
Identifiers: ClinVar variation 677511 (VCV000677511.1), dbSNP rs10047992, ClinGen allele CA267758433.

ClinVar aggregate classification (germline): Benign (1 of 4 stars; one submission).

Allele frequency attached by ClinVar (database versions not stated): gnomAD exomes 0.00360; gnomAD 0.02984 and 0.03189; 1000 Genomes Project 0.03015; 1000 Genomes Project 30x 0.03264; TOPMed 0.03366.

Submission:

GeneDx
Classification: Benign. Last evaluated: 2018-06-14. Review status: criteria provided, single submitter. Criteria: GeneDx Variant Classification (06012015). Collection method: clinical testing. Allele origin: germline. Affected: yes.
Comment: This variant is considered likely benign or benign based on one or more of the following criteria: it is a conservative change, it occurs at a poorly conserved position in the protein, it is predicted to be benign by multiple in silico algorithms, and/or has population frequency not consistent with disease.